The following is an entry in ClinVar:

ClinVar aggregate classification (germline): Uncertain significance (1 of 4 stars; one submission).

Conditions:
PKD1-related disorder. Also called: PKD1-related condition.

Submission:

PreventionGenetics, part of Exact Sciences
Classification: Uncertain significance for PKD1-related condition. Last evaluated: 2026-04-05. Review status: criteria provided, single submitter. Criteria: ACMG Guidelines, 2015. Collection method: clinical testing. Allele origin: germline.
Comment: The PKD1 c.9398G>T variant is predicted to result in the amino acid substitution p.Gly3133Val. To our knowledge, this variant has not been reported in the literature or in a large population database (gnomAD), indicating this variant is rare. Of note, this variant was previously found in two presumably unrelated individuals tested for cystic kidney disease at PreventionGenetics (internal database). Located at the first base of exon 27, this nucleotide change is predicted to alter splicing based on available splicing prediction programs (Alamut Visual Plus v1.13; SpliceAI, Jaganathan et al. 2019. PubMed ID: 30661751). However, the use of computer prediction programs is not equivalent to functional evidence. Of note, different substitutions at the same codon have been reported in patients with autosomal dominant polycystic kidney disease (ADPKD) (c.9398G>A, p.Gly3133Asp in Neumann et al. 2012. PubMed ID: 22367170; c.9397G>C, p.Gly3133Arg in Orisio et al. 2023. PubMed ID: 37231942). Although we highly suspect that the c.9398G>T (p.Gly3133Val) variant is pathogenic, at this time, the clinical significance of this variant is uncertain due to the absence of conclusive functional and genetic evidence.

NM_001009944.3(PKD1):c.9398G>T (p.Gly3133Val)

Gene: PKD1 (polycystin 1, transient receptor potential channel interacting; minus strand). Cytogenetic location: 16p13.3.
Variant type: single nucleotide variant.
Coding change: c.9398G>T on transcript NM_001009944.3 (MANE Select); coding-DNA position 9398, G replaced by T.
Protein change: p.Gly3133Val; replaces glycine 3133 with valine.
Molecular consequence: missense variant.
Genome position (GRCh38, 1-based): chr16:2,100,566, C>A on the plus strand (G>T on the coding strand, the complement: PKD1 is on the minus strand). VCF-style: chr16-2100566-C-A. GRCh37 (hg19) VCF-style: chr16-2150567-C-A.
Other names: c.9398G>T, p.Gly3133Val (NM_000296.4); short protein forms G3133V.
Identifiers: ClinVar variation 4988740 (VCV004988740.1).